The following is an entry in ClinVar:

NM_020800.3(IFT80):c.48A>T (p.Leu16Phe)

Genes: IFT80 (intraflagellar transport 80; minus strand), TRIM59-IFT80 (TRIM59-IFT80 readthrough (NMD candidate); minus strand). Cytogenetic location: 3q25.33.
Variant type: single nucleotide variant.
Coding change: c.48A>T on transcript NM_020800.3 (MANE Select); coding-DNA position 48, A replaced by T.
Protein change: p.Leu16Phe; replaces leucine 16 with phenylalanine.
Molecular consequence: missense variant. On other transcripts: non-coding transcript variant (2), 5 prime UTR variant (2).
Genome position (GRCh38, 1-based): chr3:160,381,714, T>A on the plus strand (A>T on the coding strand, the complement: IFT80 is on the minus strand). VCF-style: chr3-160381714-T-A. GRCh37 (hg19) VCF-style: chr3-160099502-T-A.
Other names: c.-364A>T (NM_001190241.2, NM_001190242.2); short protein forms L16F.
Identifiers: ClinVar variation 1440480 (VCV001440480.6), dbSNP rs2108404512, ClinGen allele CA355195191.

ClinVar aggregate classification (germline): Uncertain significance (1 of 4 stars; one submission).

Conditions:
Jeune thoracic dystrophy. Also called: Short-rib thoracic dysplasia; Jeune syndrome; Infantile thoracic dystrophy; Thoracic pelvic phalangeal dystrophy; Jeune's syndrome; Chondroectodermal dysplasia-like syndrome. Identifiers: Orphanet 474, MedGen C0265275, MONDO:0018770.

Submission:

Labcorp Genetics (formerly Invitae), Labcorp
Classification: Uncertain significance for Jeune thoracic dystrophy. Last evaluated: 2025-04-28. Review status: criteria provided, single submitter. Criteria: Invitae Variant Classification Sherloc (09022015). Collection method: clinical testing. Allele origin: germline.
Comment: This sequence change replaces leucine, which is neutral and non-polar, with phenylalanine, which is neutral and non-polar, at codon 16 of the IFT80 protein (p.Leu16Phe). This variant is not present in population databases (gnomAD no frequency). This variant has not been reported in the literature in individuals affected with IFT80-related conditions. ClinVar contains an entry for this variant (Variation ID: 1440480). Invitae Evidence Modeling of protein sequence and biophysical properties (such as structural, functional, and spatial information, amino acid conservation, physicochemical variation, residue mobility, and thermodynamic stability) has been performed for this missense variant. However, the output from this modeling did not meet the statistical confidence thresholds required to predict the impact of this variant on IFT80 protein function. In summary, the available evidence is currently insufficient to determine the role of this variant in disease. Therefore, it has been classified as a Variant of Uncertain Significance.